The following is an entry in ClinVar:

NM_000321.3(RB1):c.264+1G>A

Gene: RB1 (RB transcriptional corepressor 1; plus strand). Cytogenetic location: 13q14.2.
Variant type: single nucleotide variant.
Coding change: c.264+1G>A on transcript NM_000321.3 (MANE Select); the canonical splice donor site of the intron after coding-DNA position 264, G replaced by A.
Molecular consequence: splice donor variant.
Genome position (GRCh38, 1-based): chr13:48,307,407, G>A. VCF-style: chr13-48307407-G-A. GRCh37 (hg19) VCF-style: chr13-48881543-G-A.
Other names: c.264+1G>A (NM_001407165.1, NM_001407166.1, NM_001407167.1).
Identifiers: ClinVar variation 428734 (VCV000428734.12), dbSNP rs1131690907, ClinGen allele CA388250701.

ClinVar aggregate classification (germline): Pathogenic. Review status: criteria provided, multiple submitters, no conflicts (2 of 4 stars). 3 submissions from 3 submitters: Pathogenic (3). Last evaluated 2024-05-20.

Conditions:
Retinoblastoma (RB1). Also called: RETINOBLASTOMA, SOMATIC. Identifiers: Orphanet 790, MedGen C0035335, MeSH D012175, MONDO:0008380, OMIM 180200, HP:0009919. Disease mechanism: loss of function. Inheritance: Both sporadic and heritable forms are tested..
Hereditary cancer-predisposing syndrome. Also called: Hereditary Cancer Syndrome; Neoplastic Syndromes, Hereditary; Hereditary neoplastic syndrome; Tumor predisposition. Identifiers: Orphanet 140162, MedGen C0027672, MeSH D009386, MONDO:0015356.

Submissions (3):

Genetic Diagnostic Laboratory, University of Pennsylvania School of Medicine
Classification: Pathogenic for Retinoblastoma. Last evaluated: 2024-05-20. Review status: criteria provided, single submitter. Criteria: ACMG Guidelines, 2015. Collection method: clinical testing. Allele origin: germline. Affected: yes. Observed: 1 variant allele.
Comment: Case and Pedigree Information: BILATERAL CASES:1, UNILATERAL CASES:0, TOTAL CASES:1, PEDIGREES:1. ACMG Codes Applied:PVS1, PM2

Labcorp Genetics (formerly Invitae), Labcorp
Classification: Pathogenic for Retinoblastoma. Last evaluated: 2022-10-20. Review status: criteria provided, single submitter. Criteria: Invitae Variant Classification Sherloc (09022015). Collection method: clinical testing. Allele origin: germline.
Comment: This sequence change affects a donor splice site in intron 2 of the RB1 gene. It is expected to disrupt RNA splicing. Variants that disrupt the donor or acceptor splice site typically lead to a loss of protein function (PMID: 16199547), and loss-of-function variants in RB1 are known to be pathogenic (PMID: 17096365). This variant is not present in population databases (gnomAD no frequency). Disruption of this splice site has been observed in individual(s) with bilateral retinoblastoma (PMID: 15884040; Invitae). This variant is also known as c.402+1G>A. ClinVar contains an entry for this variant (Variation ID: 428734). Algorithms developed to predict the effect of sequence changes on RNA splicing suggest that this variant may disrupt the consensus splice site. For these reasons, this variant has been classified as Pathogenic.

Ambry Genetics
Classification: Pathogenic for Hereditary cancer-predisposing syndrome. Last evaluated: 2016-05-16. Review status: criteria provided, single submitter. Criteria: Ambry Variant Classification Scheme 2023. Collection method: clinical testing. Allele origin: germline.
Comment: The c.264+1G>A intronic pathogenic mutation results from a G to A substitution one nucleotide after coding exon 2 of the RB1 gene. This alteration, referred to as c.402+1G>A, was identified in a patient with bilateral retinoblastoma (RB) (Nichols KE, Hum. Mutat. 2005 Jun; 25(6):566-74). In addition, two other alterations at the same location (c.264+1G>C and c.264G>T, referred to as IVS2+1G>C and IVS2+1G>T respectively) were identified in patients with bilateral RB (Zhang K, Hum. Mutat. 2008 Apr; 29(4):475-84; Choy KW, Hum. Mutat. 2002 Nov; 20(5):408). Using the BDGP and ESEfinder splice site prediction tools, the c.264+1G>A alteration is predicted to abolish the native splice donor site; however, direct experimental evidence is unavailable. In addition to the clinical data presented in the literature, since alterations that disrupt the canonical splice donor site are typically deleterious in nature, this alteration is interpreted as a disease-causing mutation (ACMG Recommendations for Standards for Interpretation and Reporting of Sequence Variations. Revision 2007. Genet Med. 2008;10:294).

Literature cited by the submitters: PubMed 16199547 (cited by Labcorp Genetics (formerly Invitae), Labcorp); PubMed 17096365 (cited by Labcorp Genetics (formerly Invitae), Labcorp); PubMed 15884040 (cited by Labcorp Genetics (formerly Invitae), Labcorp and Ambry Genetics); PubMed 12402348 (cited by Ambry Genetics); PubMed 18181215 (cited by Ambry Genetics).